The following is an entry in ClinVar:

ClinVar aggregate classification (germline): Pathogenic. Review status: criteria provided, single submitter (1 of 4 stars). 2 submissions from 2 submitters: Pathogenic (1). 1 of the submissions does not count toward it. Last evaluated 2024-11-06.

Conditions:
CSF3R-related disorder. Also called: CSF3R-related condition.
Autosomal recessive severe congenital neutropenia due to CSF3R deficiency. Also called: Neutropenia, severe congenital, 7, autosomal recessive. Identifiers: Orphanet 420702, MedGen C4310764, MONDO:0014865, OMIM 617014.

Submissions (2):

Labcorp Genetics (formerly Invitae), Labcorp
Classification: Pathogenic for Autosomal recessive severe congenital neutropenia due to CSF3R deficiency. Last evaluated: 2024-11-06. Review status: criteria provided, single submitter. Criteria: Invitae Variant Classification Sherloc (09022015). Collection method: clinical testing. Allele origin: germline.
Comment: This sequence change creates a premature translational stop signal (p.Arg74Glnfs*7) in the CSF3R gene. It is expected to result in an absent or disrupted protein product. Loss-of-function variants in CSF3R are known to be pathogenic (PMID: 24753537, 26324699). This variant is present in population databases (rs765536522, gnomAD 0.003%). This variant has not been reported in the literature in individuals affected with CSF3R-related conditions. ClinVar contains an entry for this variant (Variation ID: 1410136). For these reasons, this variant has been classified as Pathogenic.

PreventionGenetics, part of Exact Sciences
Classification: Likely pathogenic for CSF3R-related condition. Last evaluated: 2023-12-04. Review status: no assertion criteria provided. Collection method: clinical testing. Allele origin: germline. Not counted in ClinVar's aggregate classification.
Comment: The CSF3R c.218dupG variant is predicted to result in a frameshift and premature protein termination (p.Arg74Glnfs*7). To our knowledge, this variant has not been reported in the literature. It is reported in 0.0065% of alleles in individuals of European (Non-Finnish) descent in gnomAD. Frameshift variants in CSF3R are expected to be pathogenic. This variant is interpreted as likely pathogenic.

Literature cited by the submitters: PubMed 24753537 (cited by Labcorp Genetics (formerly Invitae), Labcorp); PubMed 26324699 (cited by Labcorp Genetics (formerly Invitae), Labcorp).

NM_000760.4(CSF3R):c.218dup (p.Arg74fs)

Gene: CSF3R (colony stimulating factor 3 receptor; minus strand). Cytogenetic location: 1p34.3.
Variant type: Duplication.
Coding change: c.218dup on transcript NM_000760.4 (MANE Select); coding-DNA position 218, one base duplicated (G; older notation c.218dupG).
Protein change: p.Arg74fs; shifts the reading frame from arginine 74.
Molecular consequence: frameshift variant.
Genome position (GRCh38, 1-based): chr1:36,475,520, C duplicated on the plus strand (G on the coding strand, the reverse complement: CSF3R is on the minus strand); the first of 5 consecutive C bases (chr1:36,475,520-36,475,524); duplicating any one gives the same sequence. VCF-style (leftmost placement, unchanged base first): chr1-36475519-G-GC. GRCh37 (hg19) VCF-style: chr1-36941120-G-GC.
Other names: c.218dupG (NM_000760.3); c.218dup, p.Arg74fs (NM_156039.3, NM_172313.3); short protein forms R74fs.
Identifiers: ClinVar variation 1410136 (VCV001410136.8), dbSNP rs765536522, ClinGen allele CA769535.